The following is an entry in ClinVar:

NM_002608.4(PDGFB):c.490A>G (p.Ile164Val)

Gene: PDGFB (platelet derived growth factor subunit B; minus strand). Cytogenetic location: 22q13.1.
Variant type: single nucleotide variant.
Coding change: c.490A>G on transcript NM_002608.4 (MANE Select); coding-DNA position 490, A replaced by G.
Protein change: p.Ile164Val; replaces isoleucine 164 with valine.
Molecular consequence: missense variant.
Genome position (GRCh38, 1-based): chr22:39,230,195, T>C on the plus strand (A>G on the coding strand, the complement: PDGFB is on the minus strand). VCF-style: chr22-39230195-T-C. GRCh37 (hg19) VCF-style: chr22-39626200-T-C.
Other names: c.445A>G, p.Ile149Val (NM_033016.3); short protein forms I164V, I149V.
Identifiers: ClinVar variation 3681964 (VCV003681964.2).

ClinVar aggregate classification (germline): Uncertain significance (1 of 4 stars; one submission).

gnomAD v4.1: 20 of 1,613,998 alleles (0.0012%); highest among the groups gnomAD compares: East Asian, 0.036%; no homozygotes.

Submission:

Labcorp Genetics (formerly Invitae), Labcorp
Classification: Uncertain significance. Last evaluated: 2024-10-30. Review status: criteria provided, single submitter. Criteria: Invitae Variant Classification Sherloc (09022015). Collection method: clinical testing. Allele origin: germline.
Comment: This sequence change replaces isoleucine, which is neutral and non-polar, with valine, which is neutral and non-polar, at codon 164 of the PDGFB protein (p.Ile164Val). This variant is not present in population databases (gnomAD no frequency). This variant has not been reported in the literature in individuals affected with PDGFB-related conditions. Invitae Evidence Modeling of protein sequence and biophysical properties (such as structural, functional, and spatial information, amino acid conservation, physicochemical variation, residue mobility, and thermodynamic stability) indicates that this missense variant is not expected to disrupt PDGFB protein function with a negative predictive value of 80%. In summary, the available evidence is currently insufficient to determine the role of this variant in disease. Therefore, it has been classified as a Variant of Uncertain Significance.